The following is an entry in ClinVar:

ClinVar aggregate classification (germline): Uncertain significance. Review status: criteria provided, multiple submitters, no conflicts (2 of 4 stars). 3 submissions from 3 submitters: Uncertain significance (3). Last evaluated 2025-12-28.

Conditions:
Pheochromocytoma. Also called: MAX-Related Hereditary Paraganglioma-Pheochromocytoma Syndrome. Identifiers: Orphanet 29072, MedGen C0031511, MONDO:0008233, OMIM 171300, HP:0002666.
Paragangliomas with sensorineural hearing loss. Identifiers: MedGen C1868633.
Carney-Stratakis syndrome. Also called: PARAGANGLIOMA AND GASTROINTESTINAL STROMAL TUMOR. Identifiers: Orphanet 97286, MedGen C1847319, MONDO:0011740, OMIM 606864.
Cowden syndrome 3 (CWS3). Identifiers: Orphanet 201, MedGen CN166604, MONDO:0014045.
Hereditary cancer-predisposing syndrome. Also called: Tumor predisposition; Hereditary Cancer Syndrome; Hereditary neoplastic syndrome; Neoplastic Syndromes, Hereditary. Identifiers: Orphanet 140162, MedGen C0027672, MeSH D009386, MONDO:0015356.
Hereditary pheochromocytoma and paraganglioma. Also called: Hereditary paragangliomas and pheochromocytomas; Hereditary Paraganglioma-Pheochromocytoma Syndromes; Hereditary pheochromocytoma-paraganglioma. Identifiers: Orphanet 29072, MedGen C4274332, MONDO:0017366.

Submissions (3):

Labcorp Genetics (formerly Invitae), Labcorp
Classification: Uncertain significance for Carney-Stratakis syndrome; Paragangliomas with sensorineural hearing loss; Pheochromocytoma; Cowden syndrome 3. Last evaluated: 2025-12-28. Review status: criteria provided, single submitter. Criteria: Invitae Variant Classification Sherloc (09022015). Collection method: clinical testing. Allele origin: germline.
Comment: This sequence change replaces leucine, which is neutral and non-polar, with valine, which is neutral and non-polar, at codon 75 of the SDHD protein (p.Leu75Val). This variant is not present in population databases (gnomAD no frequency). This variant has not been reported in the literature in individuals affected with SDHD-related conditions. ClinVar contains an entry for this variant (Variation ID: 1788268). Invitae Evidence Modeling of protein sequence and biophysical properties (such as structural, functional, and spatial information, amino acid conservation, physicochemical variation, residue mobility, and thermodynamic stability) indicates that this missense variant is not expected to disrupt SDHD protein function with a negative predictive value of 95%. In summary, the available evidence is currently insufficient to determine the role of this variant in disease. Therefore, it has been classified as a Variant of Uncertain Significance.

Color Diagnostics, LLC DBA Color Health
Classification: Uncertain significance for Hereditary pheochromocytoma and paraganglioma. Last evaluated: 2025-10-05. Review status: criteria provided, single submitter. Criteria: ACMG Guidelines, 2015. Collection method: clinical testing. Allele origin: germline.
Comment: This missense variant replaces leucine with valine at codon 75 of the SDHD protein. Computational prediction suggests that this variant may not impact protein structure and function. To our knowledge, functional studies have not been reported for this variant. This variant has not been reported in individuals affected with SDHD-related disorders in the literature. This variant has not been identified in the general population by the Genome Aggregation Database (gnomAD). The available evidence is insufficient to determine the role of this variant in disease conclusively. Therefore, this variant is classified as a Variant of Uncertain Significance.

Ambry Genetics
Classification: Uncertain significance for Hereditary cancer-predisposing syndrome. Last evaluated: 2021-08-16. Review status: criteria provided, single submitter. Criteria: Ambry Variant Classification Scheme 2023. Collection method: clinical testing. Allele origin: germline.
Comment: The p.L75V variant (also known as c.223T>G), located in coding exon 3 of the SDHD gene, results from a T to G substitution at nucleotide position 223. The leucine at codon 75 is replaced by valine, an amino acid with highly similar properties. This amino acid position is well conserved in available vertebrate species. In addition, the in silico prediction for this alteration is inconclusive. Since supporting evidence is limited at this time, the clinical significance of this alteration remains unclear.

NM_003002.4(SDHD):c.223T>G (p.Leu75Val)

Gene: SDHD (succinate dehydrogenase complex subunit D; plus strand). Cytogenetic location: 11q23.1.
Variant type: single nucleotide variant.
Coding change: c.223T>G on transcript NM_003002.4 (MANE Select); coding-DNA position 223, T replaced by G.
Protein change: p.Leu75Val; replaces leucine 75 with valine.
Molecular consequence: missense variant. On other transcripts: non-coding transcript variant (1), intron variant (1).
Genome position (GRCh38, 1-based): chr11:112,088,920, T>G. VCF-style: chr11-112088920-T-G. GRCh37 (hg19) VCF-style: chr11-111959644-T-G.
Other names: c.106T>G, p.Leu36Val (NM_001276504.2); c.223T>G, p.Leu75Val (NM_001276506.2); c.169+947T>G (NM_001276503.2); short protein forms L36V, L75V.
Identifiers: ClinVar variation 1788268 (VCV001788268.4), dbSNP rs2135269384, ClinGen allele CA382617262.